The following is an entry in ClinVar:

NM_001197104.2(KMT2A):c.9199G>A (p.Val3067Ile)

Gene: KMT2A (lysine methyltransferase 2A; plus strand). Cytogenetic location: 11q23.3.
Variant type: single nucleotide variant.
Coding change: c.9199G>A on transcript NM_001197104.2 (MANE Select); coding-DNA position 9199, G replaced by A.
Protein change: p.Val3067Ile; replaces valine 3067 with isoleucine.
Molecular consequence: missense variant.
Genome position (GRCh38, 1-based): chr11:118,505,091, G>A. VCF-style: chr11-118505091-G-A. GRCh37 (hg19) VCF-style: chr11-118375806-G-A.
Other names: c.9289G>A, p.Val3097Ile (NM_001412597.1); c.9190G>A, p.Val3064Ile (NM_005933.4); short protein forms V3064I, V3097I, V3067I.
Identifiers: ClinVar variation 3731243 (VCV003731243.1).
Genomic context (GRCh38, chr11:118,505,091, plus strand): 5'-CAGAAGTATGTGCCCAATTCTACTGATAGTCCTGGCCCGTCTCAGATTTCCAATGCAGCT[G>A]TCCAGACCACTCCACCCCACCTGAAGCCAGCCACTGAGAAACTCATAGTTGTTAACCAGA-3'
Protein context (NP_001184033.1, residues 3057-3077): PGPSQISNAA[Val3067Ile]QTTPPHLKPA

ClinVar aggregate classification (germline): Uncertain significance (1 of 4 stars; one submission).

Submission:

GeneDx
Classification: Uncertain significance. Last evaluated: 2024-08-14. Review status: criteria provided, single submitter. Criteria: GeneDx Variant Classification Process June 2021. Collection method: clinical testing. Allele origin: germline. Affected: yes.
Comment: Not observed at significant frequency in large population cohorts (gnomAD); In silico analysis indicates that this missense variant does not alter protein structure/function; Has not been previously published as pathogenic or benign to our knowledge